The following is an entry in ClinVar:

NM_001378457.1(DMXL2):c.88-14_88-3dup

Gene: DMXL2 (Dmx like 2; minus strand). Cytogenetic location: 15q21.2.
Variant type: Duplication.
Coding change: c.88-14_88-3dup on transcript NM_001378457.1 (MANE Select); 14 bases into the intron before coding-DNA position 88 through 3 bases into the intron before coding-DNA position 88, 12 bases duplicated (TTTTTTTTTTTT).
Molecular consequence: intron variant.
Genome position (GRCh38, 1-based): chr15:51,576,184-51,576,195, AAAAAAAAAAAA duplicated on the plus strand (TTTTTTTTTTTT on the coding strand, the reverse complement: DMXL2 is on the minus strand); duplicating any 12 consecutive bases within chr15:51,576,184-51,576,203 gives the same sequence; the c. name uses the placement nearest the transcript's 3' end. VCF-style (leftmost placement, unchanged base first): chr15-51576183-T-TAAAAAAAAAAAA. GRCh37 (hg19) VCF-style: chr15-51868380-T-TAAAAAAAAAAAA.
Other names: p.?; c.88-14_88-3dup (NM_001174116.2, NM_001378460.1, NM_001174117.3 and 8 more transcripts).
Identifiers: ClinVar variation 1576648 (VCV001576648.10), dbSNP rs3078066, ClinGen allele CA7562937.

ClinVar aggregate classification (germline): Likely benign. Review status: criteria provided, multiple submitters, no conflicts (2 of 4 stars). 3 submissions from 3 submitters: Likely benign (3). Last evaluated 2026-02-03.

Submissions (3):

Labcorp Genetics (formerly Invitae), Labcorp
Classification: Likely benign. Last evaluated: 2026-02-03. Review status: criteria provided, single submitter. Criteria: Invitae Variant Classification Sherloc (09022015). Collection method: clinical testing. Allele origin: germline.

Mayo Clinic Laboratories, Mayo Clinic
Classification: Likely benign. Last evaluated: 2025-05-16. Review status: criteria provided, single submitter. Criteria: ACMG Guidelines, 2015. Collection method: clinical testing. Allele origin: germline. Observed: 23 variant alleles.
Comment: BP4, BP7

Blueprint Genetics
Classification: Likely benign. Last evaluated: 2024-11-22. Review status: criteria provided, single submitter. Criteria: ACMG Guidelines, 2015. Collection method: clinical testing. Allele origin: germline.